The following is an entry in ClinVar:

NM_013275.6(ANKRD11):c.3877A>G (p.Arg1293Gly)

Gene: ANKRD11 (ankyrin repeat domain 11; minus strand). Cytogenetic location: 16q24.3.
Variant type: single nucleotide variant.
Coding change: c.3877A>G on transcript NM_013275.6 (MANE Select); coding-DNA position 3877, A replaced by G.
Protein change: p.Arg1293Gly; replaces arginine 1293 with glycine.
Molecular consequence: missense variant.
Genome position (GRCh38, 1-based): chr16:89,282,665, T>C on the plus strand (A>G on the coding strand, the complement: ANKRD11 is on the minus strand). VCF-style: chr16-89282665-T-C. GRCh37 (hg19) VCF-style: chr16-89349073-T-C.
Other names: c.3877A>G, p.Arg1293Gly (NM_001256182.2, NM_001256183.2); short protein forms R1293G.
Identifiers: ClinVar variation 4691026 (VCV004691026.1).

ClinVar aggregate classification (germline): Uncertain significance (1 of 4 stars; one submission).

Conditions:
KBG syndrome (KBGS). Also called: ANKRD11-Related KBG Syndrome. Identifiers: Orphanet 2332, MedGen C0220687, MONDO:0007846, OMIM 148050.

gnomAD v4.1: 3 of 1,614,210 alleles (0.00019%); highest among the groups gnomAD compares: African/African-American, 0.0013%; no homozygotes.

Submission:

Labcorp Genetics (formerly Invitae), Labcorp
Classification: Uncertain significance for KBG syndrome. Last evaluated: 2025-08-20. Review status: criteria provided, single submitter. Criteria: Invitae Variant Classification Sherloc (09022015). Collection method: clinical testing. Allele origin: germline.
Comment: This sequence change replaces arginine, which is basic and polar, with glycine, which is neutral and non-polar, at codon 1293 of the ANKRD11 protein (p.Arg1293Gly). This variant is not present in population databases (gnomAD no frequency). This variant has not been reported in the literature in individuals affected with ANKRD11-related conditions. Invitae Evidence Modeling of protein sequence and biophysical properties (such as structural, functional, and spatial information, amino acid conservation, physicochemical variation, residue mobility, and thermodynamic stability) indicates that this missense variant is not expected to disrupt ANKRD11 protein function with a negative predictive value of 95%. In summary, the available evidence is currently insufficient to determine the role of this variant in disease. Therefore, it has been classified as a Variant of Uncertain Significance.